The following is an entry in ClinVar:

NM_006031.6(PCNT):c.71A>G (p.Gln24Arg)

Genes: PCNT (pericentrin; plus strand), LOC128092249 (uncharacterized LOC128092249; plus strand). Cytogenetic location: 21q22.3.
Variant type: single nucleotide variant.
Coding change: c.71A>G on transcript NM_006031.6 (MANE Select); coding-DNA position 71, A replaced by G.
Protein change: p.Gln24Arg; replaces glutamine 24 with arginine.
Molecular consequence: missense variant. On other transcripts: 5 prime UTR variant (1).
Genome position (GRCh38, 1-based): chr21:46,326,393, A>G. VCF-style: chr21-46326393-A-G. GRCh37 (hg19) VCF-style: chr21-47746307-A-G.
Other names: c.-284A>G (NM_001315529.2); short protein forms Q24R.
Identifiers: ClinVar variation 895263 (VCV000895263.8), dbSNP rs758228005, ClinGen allele CA10078130.
Genomic context (GRCh38, chr21:46,326,393, plus strand): 5'-CTCACTTACCTTTGCCTTTACTACTTATCTACATTTTTGCGCAGCTTGCTCACTTCCGAC[A>G]GAGAAAAACAAAAGGTGACAGTTCGCATTCGGAGAAAAAGACGGCGAAGAGGAAGGGCTC-3'
Protein context (NP_006022.3, residues 14-34): AGRTKLAHFR[Gln24Arg]RKTKGDSSHS

ClinVar aggregate classification (germline): Uncertain significance. Review status: criteria provided, multiple submitters, no conflicts (2 of 4 stars). 4 submissions from 4 submitters: Uncertain significance (4). Last evaluated 2026-05-08.

Conditions:
Microcephalic osteodysplastic primordial dwarfism type II (MOPD2). Also called: Microcephalic osteodysplastic primordial dwarfism with tooth abnormalities; MOPD II; OSTEODYSPLASTIC PRIMORDIAL DWARFISM, TYPE II. Identifiers: Orphanet 2637, MedGen C0432246, MONDO:0008872, OMIM 210720.
PCNT-related disorder. Also called: PCNT-related condition.

Allele frequency attached by ClinVar (database versions not stated): gnomAD 0.00001 and 0.00003; TOPMed 0.00003; ExAC 0.00006.
gnomAD v4.1: 75 of 1,614,206 alleles (0.0046%); highest among the groups gnomAD compares: South Asian, 0.056%; 1 homozygote.

Submissions (4):

PreventionGenetics, part of Exact Sciences
Classification: Uncertain significance for PCNT-related condition. Last evaluated: 2026-05-08. Review status: criteria provided, single submitter. Criteria: ACMG Guidelines, 2015. Collection method: clinical testing. Allele origin: germline.
Comment: The PCNT c.71A>G variant is predicted to result in the amino acid substitution p.Gln24Arg. To our knowledge, this variant has not been reported in the literature. This variant is reported in 0.049% of alleles in individuals of South Asian descent in gnomAD. At this time, the clinical significance of this variant is uncertain due to the absence of conclusive functional and genetic evidence.

Blueprint Genetics
Classification: Uncertain significance. Last evaluated: 2024-11-27. Review status: criteria provided, single submitter. Criteria: ACMG Guidelines, 2015. Collection method: clinical testing. Allele origin: germline.

Labcorp Genetics (formerly Invitae), Labcorp
Classification: Uncertain significance. Last evaluated: 2022-04-29. Review status: criteria provided, single submitter. Criteria: Invitae Variant Classification Sherloc (09022015). Collection method: clinical testing. Allele origin: germline.
Comment: This sequence change replaces glutamine, which is neutral and polar, with arginine, which is basic and polar, at codon 24 of the PCNT protein (p.Gln24Arg). This variant is present in population databases (rs758228005, gnomAD 0.05%). This variant has not been reported in the literature in individuals affected with PCNT-related conditions. ClinVar contains an entry for this variant (Variation ID: 895263). Algorithms developed to predict the effect of missense changes on protein structure and function are either unavailable or do not agree on the potential impact of this missense change (SIFT: "Deleterious"; PolyPhen-2: "Benign"; Align-GVGD: "Class C0"). In summary, the available evidence is currently insufficient to determine the role of this variant in disease. Therefore, it has been classified as a Variant of Uncertain Significance.

Illumina Laboratory Services, Illumina
Classification: Uncertain significance for Microcephalic osteodysplastic primordial dwarfism type II. Last evaluated: 2018-01-12. Review status: criteria provided, single submitter. Criteria: ICSL Variant Classification Criteria 13 December 2019. Collection method: clinical testing. Allele origin: germline.